The following is an entry in ClinVar:

ClinVar aggregate classification (germline): Uncertain significance. Review status: criteria provided, multiple submitters, no conflicts (2 of 4 stars). 4 submissions from 4 submitters: Uncertain significance (4). Last evaluated 2022-08-23.

Conditions:
Combined deficiency of sialidase AND beta galactosidase (GSL). Also called: CATHEPSIN A DEFICIENCY; GOLDBERG SYNDROME; NEURAMINIDASE DEFICIENCY WITH BETA-GALACTOSIDASE DEFICIENCY; NEURAMINIDASE/BETA-GALACTOSIDASE EXPRESSION; PPCA DEFICIENCY; PROTECTIVE PROTEIN/CATHEPSIN A DEFICIENCY. Identifiers: Orphanet 351, MedGen C0268233, MONDO:0009737, OMIM 256540.

Allele frequency attached by ClinVar (database versions not stated): ESP Exome Variant Server 0.00008; gnomAD 0.00027 and 0.00029; ExAC 0.00028; gnomAD exomes 0.00039; TOPMed 0.00042.
gnomAD v4.1: 588 of 1,614,064 alleles (0.036%); highest among the groups gnomAD compares: Middle Eastern, 0.16%; 1 homozygote.

Submissions (4):

Labcorp Genetics (formerly Invitae), Labcorp
Classification: Uncertain significance for Combined deficiency of sialidase AND beta galactosidase. Last evaluated: 2022-08-23. Review status: criteria provided, single submitter. Criteria: Invitae Variant Classification Sherloc (09022015). Collection method: clinical testing. Allele origin: germline.
Comment: This sequence change replaces alanine, which is neutral and non-polar, with threonine, which is neutral and polar, at codon 466 of the CTSA protein (p.Ala466Thr). This variant is present in population databases (rs144407534, gnomAD 0.08%). This variant has not been reported in the literature in individuals affected with CTSA-related conditions. ClinVar contains an entry for this variant (Variation ID: 896026). Algorithms developed to predict the effect of missense changes on protein structure and function output the following: SIFT: "Not Available"; PolyPhen-2: "Benign"; Align-GVGD: "Not Available". The threonine amino acid residue is found in multiple mammalian species, which suggests that this missense change does not adversely affect protein function. In summary, the available evidence is currently insufficient to determine the role of this variant in disease. Therefore, it has been classified as a Variant of Uncertain Significance.

Fulgent Genetics
Classification: Uncertain significance for Combined deficiency of sialidase AND beta galactosidase. Last evaluated: 2021-12-21. Review status: criteria provided, single submitter. Criteria: ACMG Guidelines, 2015. Collection method: clinical testing. Allele origin: unknown.

Mayo Clinic Laboratories, Mayo Clinic
Classification: Uncertain significance. Last evaluated: 2021-12-10. Review status: criteria provided, single submitter. Criteria: ACMG Guidelines, 2015. Collection method: clinical testing. Allele origin: germline.

Illumina Laboratory Services, Illumina
Classification: Uncertain significance for Combined deficiency of sialidase AND beta galactosidase. Last evaluated: 2018-01-12. Review status: criteria provided, single submitter. Criteria: ICSL Variant Classification Criteria 13 December 2019. Collection method: clinical testing. Allele origin: germline.

NM_000308.4(CTSA):c.1342G>A (p.Ala448Thr)

Gene: CTSA (cathepsin A; plus strand). Cytogenetic location: 20q13.12.
Variant type: single nucleotide variant.
Coding change: c.1342G>A on transcript NM_000308.4 (MANE Select); coding-DNA position 1342, G replaced by A.
Protein change: p.Ala448Thr; replaces alanine 448 with threonine.
Molecular consequence: missense variant. On other transcripts: non-coding transcript variant (1).
Genome position (GRCh38, 1-based): chr20:45,898,092, G>A. VCF-style: chr20-45898092-G-A. GRCh37 (hg19) VCF-style: chr20-44526731-G-A.
Other names: p.Ala466Thr; c.1342G>A, p.Ala448Thr (NM_001127695.3); c.1291G>A, p.Ala431Thr (NM_001167594.3); short protein forms A448T, A431T.
Identifiers: ClinVar variation 896026 (VCV000896026.12), dbSNP rs144407534, ClinGen allele CA9883377.